The following is an entry in ClinVar:

ClinVar aggregate classification (germline): Pathogenic/Likely pathogenic. Review status: criteria provided, multiple submitters, no conflicts (2 of 4 stars). 4 submissions from 4 submitters: Pathogenic (2); Likely pathogenic (2). Last evaluated 2025-12-15.

Conditions:
Autosomal recessive Alport syndrome (ATS2). Also called: Alport syndrome type 2; COL4A3-Related Nephropathy; ALPORT SYNDROME 2, AUTOSOMAL RECESSIVE; COL4A4 Alport Syndrome and Thin Basement Membrane Nephropathy. Identifiers: Orphanet 63, Orphanet 88919, MedGen C4746745, MONDO:0008762, OMIM 203780.
Hematuria, benign familial, 1 (BFH1). Also called: THIN MEMBRANE NEPHROPATHY. Identifiers: MedGen CN376803, MONDO:0007709, OMIM 141200.
Alport syndrome. Also called: Hemorrhagic familial nephritis; Hemorrhagic hereditary nephritis; Congenital hereditary hematuria. Identifiers: Orphanet 63, MedGen C1567741, MONDO:0018965.
COL4A4-related disorder.

Submissions (4):

Victorian Clinical Genetics Services, Murdoch Childrens Research Institute
Classification: Pathogenic for Alport syndrome. Last evaluated: 2025-12-15. Review status: criteria provided, single submitter. Criteria: ACMG Guidelines, 2015. Collection method: clinical testing. Allele origin: germline. Affected: yes.
Comment: This variant is classified as Pathogenic. Evidence in support of pathogenic classification: Variant is predicted to cause nonsense-mediated decay (NMD) and loss of protein (premature termination codon is located at least 54 nucleotides upstream of the final exon-exon junction); Variant is present in gnomAD <0.01 (v4: 1 heterozygote(s), 0 homozygote(s)); This variant has limited previous evidence of pathogenicity in an unrelated individual(s). This variant has been classified as pathogenic by a clinical laboratory (ClinVar); Other NMD-predicted variant(s) comparable to the one identified in this case have very strong previous evidence for pathogenicity (DECIPHER). Additional information: This variant is heterozygous; This gene is associated with both recessive and dominant Alport syndrome (MONDO:0018965), COL4A4-related; Loss of function is a known mechanism of disease for this gene and is associated with Alport syndrome (MONDO:0018965), COL4A4-related. Dominant negative is a suspected mechanism of disease for glycine changes that are part of a Gly-X-Y repeat in the triple helix of a collagen domain (PMIDs: 12028435, 24046192, 38214412); Inheritance information for this variant is not currently available in this individual.

Natera, Inc.
Classification: Likely pathogenic for Alport syndrome. Last evaluated: 2025-02-03. Review status: criteria provided, single submitter. Criteria: Natera Variant Classification Schema (03/2026). Collection method: clinical testing. Allele origin: germline.
Comment: The c.1505dupC variant in COL4A4 is a frameshift variant predicted to shift the reading frame beginning at codon 503 and leads to a stop codon 12 codons downstream. This variant is expected to result in nonsense mediated decay, truncation, or a dysfunctional protein product. This variant is rare in the general population with a frequency below the threshold expected for the associated phenotype(s). Given the available evidence, this variant is classified as Likely Pathogenic.

Fulgent Genetics
Classification: Pathogenic for Hematuria, benign familial, 1; Autosomal recessive Alport syndrome. Last evaluated: 2024-06-05. Review status: criteria provided, single submitter. Criteria: ACMG Guidelines, 2015. Collection method: clinical testing. Allele origin: germline.

Blueprint Genetics
Classification: Likely pathogenic for COL4A4-related disorders. Last evaluated: 2019-12-02. Review status: criteria provided, single submitter. Criteria: ACMG Guidelines, 2015. Collection method: clinical testing. Allele origin: germline. Affected: yes. Observed: 1 variant allele.

Literature cited by the submitters: PubMed 24046192 (cited by Victorian Clinical Genetics Services, Murdoch Childrens Research Institute); PubMed 38214412 (cited by Victorian Clinical Genetics Services, Murdoch Childrens Research Institute); PubMed 12028435 (cited by Victorian Clinical Genetics Services, Murdoch Childrens Research Institute).

NM_000092.5(COL4A4):c.1505dup (p.Gly503fs)

Gene: COL4A4 (collagen type IV alpha 4 chain; minus strand). Cytogenetic location: 2q36.3.
Variant type: Duplication.
Coding change: c.1505dup on transcript NM_000092.5 (MANE Select); coding-DNA position 1505, one base duplicated (C; older notation c.1505dupC).
Protein change: p.Gly503fs; shifts the reading frame from glycine 503.
Molecular consequence: frameshift variant.
Genome position (GRCh38, 1-based): chr2:227,088,771, G duplicated on the plus strand (C on the coding strand, the reverse complement: COL4A4 is on the minus strand); the first of 6 consecutive G bases (chr2:227,088,771-227,088,776); duplicating any one gives the same sequence. VCF-style (leftmost placement, unchanged base first): chr2-227088770-A-AG. GRCh37 (hg19) VCF-style: chr2-227953486-A-AG.
Other names: c.1505dupC (NM_000092.4); short protein forms G503fs.
Identifiers: ClinVar variation 3585879 (VCV003585879.3).